The following is an entry in ClinVar:

NM_199420.4(POLQ):c.6556A>G (p.Lys2186Glu)

Gene: POLQ (DNA polymerase theta; minus strand). Cytogenetic location: 3q13.33.
Variant type: single nucleotide variant.
Coding change: c.6556A>G on transcript NM_199420.4 (MANE Select); coding-DNA position 6556, A replaced by G.
Protein change: p.Lys2186Glu; replaces lysine 2186 with glutamic acid.
Molecular consequence: missense variant.
Genome position (GRCh38, 1-based): chr3:121,472,152, T>C on the plus strand (A>G on the coding strand, the complement: POLQ is on the minus strand). VCF-style: chr3-121472152-T-C. GRCh37 (hg19) VCF-style: chr3-121190999-T-C.
Other names: short protein forms K2186E.
Identifiers: ClinVar variation 1754172 (VCV001754172.3), dbSNP rs747524472, ClinGen allele CA2562421.

ClinVar aggregate classification (germline): Uncertain significance (1 of 4 stars; one submission).

Allele frequency attached by ClinVar (database versions not stated): ExAC 0.00001; gnomAD 0.00001; gnomAD exomes 0.00001; TOPMed 0.00001.
gnomAD v4.1: 14 of 1,464,782 alleles (0.00096%); highest among the groups gnomAD compares: Admixed American, 0.002%; no homozygotes.

Submission:

Ambry Genetics
Classification: Uncertain significance. Last evaluated: 2023-07-05. Review status: criteria provided, single submitter. Criteria: Ambry Variant Classification Scheme 2023. Collection method: clinical testing. Allele origin: germline.
Comment: The p.K2186E variant (also known as c.6556A>G), located in coding exon 22 of the POLQ gene, results from an A to G substitution at nucleotide position 6556. The lysine at codon 2186 is replaced by glutamic acid, an amino acid with similar properties. This amino acid position is conserved. In addition, this alteration is predicted to be tolerated by in silico analysis. Since supporting evidence is limited at this time, the clinical significance of this alteration remains unclear.